The following is an entry in ClinVar:

ClinVar aggregate classification (germline): Uncertain significance (1 of 4 stars; one submission).

Conditions:
Cardiovascular phenotype. Identifiers: MedGen CN230736.

gnomAD v4.1: 1 of 1,613,088 alleles (0.000062%); highest among the groups gnomAD compares: Non-Finnish European, 0.000085%; no homozygotes.

Submission:

Ambry Genetics
Classification: Uncertain significance for Cardiovascular phenotype. Last evaluated: 2023-06-09. Review status: criteria provided, single submitter. Criteria: Ambry Variant Classification Scheme 2023. Collection method: clinical testing. Allele origin: germline.
Comment: The p.R56G variant (also known as c.166C>G), located in coding exon 1 of the FLNC gene, results from a C to G substitution at nucleotide position 166. The arginine at codon 56 is replaced by glycine, an amino acid with dissimilar properties. This amino acid position is well conserved in available vertebrate species. In addition, this alteration is predicted to be tolerated by in silico analysis. Since supporting evidence is limited at this time, the clinical significance of this alteration remains unclear.

NM_001458.5(FLNC):c.166C>G (p.Arg56Gly)

Gene: FLNC (filamin C; plus strand). Cytogenetic location: 7q32.1.
Variant type: single nucleotide variant.
Coding change: c.166C>G on transcript NM_001458.5 (MANE Select); coding-DNA position 166, C replaced by G.
Protein change: p.Arg56Gly; replaces arginine 56 with glycine.
Molecular consequence: missense variant.
Genome position (GRCh38, 1-based): chr7:128,830,803, C>G. VCF-style: chr7-128830803-C-G. GRCh37 (hg19) VCF-style: chr7-128470857-C-G.
Other names: c.166C>G, p.Arg56Gly (NM_001127487.2); short protein forms R56G.
Identifiers: ClinVar variation 1777648 (VCV001777648.3), dbSNP rs2536605259, ClinGen allele CA369216171.